The following is an entry in ClinVar:

ClinVar aggregate classification (germline): Benign (1 of 4 stars; one submission).

Submission:

Women's Health and Genetics/Laboratory Corporation of America, LabCorp
Classification: Benign. Last evaluated: 2025-10-22. Review status: criteria provided, single submitter. Criteria: LabCorp Variant Classification Summary - May 2015. Collection method: clinical testing. Allele origin: germline.
Comment: Variant summary: The variant involves the duplication of exons 13-14 in the SIK1 gene. The exact breakpoint at the 3' end of this variant is unknown, therefore this duplication may extend downstream of the annotated region of the gene. As it duplicates the termination codon, its effect on the encoded protein is unknown. A presumed nomenclature of c.(1744+1_1745-1)_(*2260_?)dup has been designated for the purposes of this classification. The variant allele was found at a frequency of 0.02 in 19744 control chromosomes in the gnomAD database, including 54 homozygotes (gnomAD v2 SV database). The observed variant frequency exceeds the estimated maximal expected allele frequency for disease-causing variants in SIK1. To our knowledge, no occurrence of c.(1744+1_1745-1)_(*2260_?)dup in individuals affected with SIK1-related conditions and no experimental evidence demonstrating its impact on protein function have been reported. ClinVar contains three entries for this variant (Variant IDs 1164284, 1164283, 476074). Based on the evidence outlined above, the variant was classified as benign.

NC_000021.8:g.(?_44834362)_(44837655_44838139)dup

Gene: SIK1 (salt inducible kinase 1; minus strand). Cytogenetic location: 21q22.3.
Variant type: Duplication.
Identifiers: ClinVar variation 4687830 (VCV004687830.1).